The following is an entry in ClinVar:

NM_005726.6(TSFM):c.395T>G (p.Leu132Ter)

Gene: TSFM (Ts translation elongation factor, mitochondrial; plus strand). Cytogenetic location: 12q14.1.
Variant type: single nucleotide variant.
Coding change: c.395T>G on transcript NM_005726.6 (MANE Select); coding-DNA position 395, T replaced by G.
Protein change: p.Leu132Ter; replaces leucine 132 with a stop codon.
Molecular consequence: nonsense.
Genome position (GRCh38, 1-based): chr12:57,787,074, T>G. VCF-style: chr12-57787074-T-G. GRCh37 (hg19) VCF-style: chr12-58180857-T-G.
Other names: c.395T>G, p.Leu132Ter (NM_001172695.2, NM_001172696.2, NM_001172697.2); short protein forms L132*.
Identifiers: ClinVar variation 3616110 (VCV003616110.2).

ClinVar aggregate classification (germline): Pathogenic (1 of 4 stars; one submission).

Submission:

Labcorp Genetics (formerly Invitae), Labcorp
Classification: Pathogenic. Last evaluated: 2024-03-10. Review status: criteria provided, single submitter. Criteria: Invitae Variant Classification Sherloc (09022015). Collection method: clinical testing. Allele origin: germline.
Comment: This sequence change creates a premature translational stop signal (p.Leu132*) in the TSFM gene. It is expected to result in an absent or disrupted protein product. Loss-of-function variants in TSFM are known to be pathogenic (PMID: 17033963, 20435138, 25037205, 27677415). The frequency data for this variant in the population databases is considered unreliable, as metrics indicate poor data quality at this position in the gnomAD database. This variant has not been reported in the literature in individuals affected with TSFM-related conditions. For these reasons, this variant has been classified as Pathogenic.

Literature cited by the submitters: PubMed 17033963; PubMed 20435138; PubMed 25037205; PubMed 27677415.